The following is an entry in ClinVar:

ClinVar aggregate classification (germline): Pathogenic (1 of 4 stars; one submission).

gnomAD v4.1: 1 of 1,613,168 alleles (0.000062%); no homozygotes.

Submission:

Labcorp Genetics (formerly Invitae), Labcorp
Classification: Pathogenic. Last evaluated: 2024-04-26. Review status: criteria provided, single submitter. Criteria: Invitae Variant Classification Sherloc (09022015). Collection method: clinical testing. Allele origin: germline.
Comment: This sequence change creates a premature translational stop signal (p.Trp248*) in the ASAH1 gene. It is expected to result in an absent or disrupted protein product. Loss-of-function variants in ASAH1 are known to be pathogenic (PMID: 24164096, 24355074). This variant is not present in population databases (gnomAD no frequency). This variant has not been reported in the literature in individuals affected with ASAH1-related conditions. For these reasons, this variant has been classified as Pathogenic.

Literature cited by the submitters: PubMed 24164096; PubMed 24355074.

NM_177924.5(ASAH1):c.744G>A (p.Trp248Ter)

Gene: ASAH1 (N-acylsphingosine amidohydrolase 1; minus strand). Cytogenetic location: 8p22.
Variant type: single nucleotide variant.
Coding change: c.744G>A on transcript NM_177924.5 (MANE Select); coding-DNA position 744, G replaced by A.
Protein change: p.Trp248Ter; replaces tryptophan 248 with a stop codon.
Molecular consequence: nonsense.
Genome position (GRCh38, 1-based): chr8:18,061,418, C>T on the plus strand (G>A on the coding strand, the complement: ASAH1 is on the minus strand). VCF-style: chr8-18061418-C-T. GRCh37 (hg19) VCF-style: chr8-17918927-C-T.
Other names: c.726G>A, p.Trp242Ter (NM_001127505.3); c.549G>A, p.Trp183Ter (NM_001363743.2); c.792G>A, p.Trp264Ter (NM_004315.6); short protein forms W242*, W264*, W183*, W248*.
Identifiers: ClinVar variation 2703279 (VCV002703279.3), dbSNP rs2537923357, ClinGen allele CA370429378.